The following is an entry in ClinVar:

ClinVar aggregate classification (germline): Uncertain significance (1 of 4 stars; one submission).

Conditions:
Arrhythmogenic cardiomyopathy with wooly hair and keratoderma. Also called: Carvajal syndrome; PALMOPLANTAR KERATODERMA WITH LEFT VENTRICULAR CARDIOMYOPATHY AND WOOLLY HAIR; Dilated cardiomyopathy with woolly hair and keratoderma; Arrhythmogenic cardiomyopathy with woolly hair and keratoderma. Identifiers: Orphanet 65282, MedGen C1854063, MONDO:0011581, OMIM 605676.

Submission:

All of Us Research Program, National Institutes of Health
Classification: Uncertain significance for Arrhythmogenic cardiomyopathy with wooly hair and keratoderma. Last evaluated: 2024-03-05. Review status: criteria provided, single submitter. Criteria: ACMG Guidelines, 2015. Collection method: clinical testing. Allele origin: germline. Inheritance: Autosomal dominant inheritance. Observed: 1 variant allele, 1 heterozygote.
Comment: This study involves interpretation of variants in research participants for the purpose of population health screening. Participant phenotype was not available at the time of variant classification. Additional details can be found in publication PMID: 35346344, PMCID: PMC8962531

NM_004415.4(DSP):c.3380C>T (p.Ser1127Phe)

Gene: DSP (desmoplakin; plus strand). Cytogenetic location: 6p24.3.
Variant type: single nucleotide variant.
Coding change: c.3380C>T on transcript NM_004415.4 (MANE Select); coding-DNA position 3380, C replaced by T.
Protein change: p.Ser1127Phe; replaces serine 1127 with phenylalanine.
Molecular consequence: missense variant.
Genome position (GRCh38, 1-based): chr6:7,579,570, C>T. VCF-style: chr6-7579570-C-T. GRCh37 (hg19) VCF-style: chr6-7579803-C-T.
Other names: c.3380C>T, p.Ser1127Phe (NM_001008844.3, NM_001319034.2); short protein forms S1127F.
Identifiers: ClinVar variation 3386662 (VCV003386662.1).